The following is an entry in ClinVar:

NM_001089.3(ABCA3):c.3112G>A (p.Val1038Ile)

Gene: ABCA3 (ATP binding cassette subfamily A member 3; minus strand). Cytogenetic location: 16p13.3.
Variant type: single nucleotide variant.
Coding change: c.3112G>A on transcript NM_001089.3 (MANE Select); coding-DNA position 3112, G replaced by A.
Protein change: p.Val1038Ile; replaces valine 1038 with isoleucine.
Molecular consequence: missense variant.
Genome position (GRCh38, 1-based): chr16:2,286,860, C>T on the plus strand (G>A on the coding strand, the complement: ABCA3 is on the minus strand). VCF-style: chr16-2286860-C-T. GRCh37 (hg19) VCF-style: chr16-2336861-C-T.
Other names: short protein forms V1038I.
Identifiers: ClinVar variation 1525721 (VCV001525721.9), dbSNP rs34994813, ClinGen allele CA7840599.

ClinVar aggregate classification (germline): Uncertain significance. Review status: criteria provided, multiple submitters, no conflicts (2 of 4 stars). 3 submissions from 3 submitters: Uncertain significance (3). Last evaluated 2025-11-24.

Conditions:
Hereditary pulmonary alveolar proteinosis. Also called: Pulmonary surfactant metabolism dysfunction. Identifiers: Orphanet 264675, MedGen C3711368, MONDO:0012580.

Allele frequency attached by ClinVar (database versions not stated): gnomAD 0.00039; 1000 Genomes Project 0.00040; TOPMed 0.00042; ExAC 0.00015; 1000 Genomes Project 30x 0.00031; ESP Exome Variant Server 0.00031.
gnomAD v4.1: 154 of 1,614,072 alleles (0.0095%); highest among the groups gnomAD compares: African/African-American, 0.084%; no homozygotes.

Submissions (3):

Ambry Genetics
Classification: Uncertain significance for Hereditary pulmonary alveolar proteinosis. Last evaluated: 2025-11-24. Review status: criteria provided, single submitter. Criteria: Ambry Variant Classification Scheme 2023. Collection method: clinical testing. Allele origin: germline.
Comment: The p.V1038I variant (also known as c.3112G>A), located in coding exon 19 of the ABCA3 gene, results from a G to A substitution at nucleotide position 3112. The valine at codon 1038 is replaced by isoleucine, an amino acid with highly similar properties. This amino acid position is conserved. In addition, this alteration is predicted to be tolerated by in silico analysis. Since supporting evidence is limited at this time, the clinical significance of this alteration remains unclear.

Labcorp Genetics (formerly Invitae), Labcorp
Classification: Uncertain significance. Last evaluated: 2024-10-24. Review status: criteria provided, single submitter. Criteria: Invitae Variant Classification Sherloc (09022015). Collection method: clinical testing. Allele origin: germline.
Comment: This sequence change replaces valine, which is neutral and non-polar, with isoleucine, which is neutral and non-polar, at codon 1038 of the ABCA3 protein (p.Val1038Ile). This variant is present in population databases (rs34994813, gnomAD 0.07%). This variant has not been reported in the literature in individuals affected with ABCA3-related conditions. ClinVar contains an entry for this variant (Variation ID: 1525721). Invitae Evidence Modeling of protein sequence and biophysical properties (such as structural, functional, and spatial information, amino acid conservation, physicochemical variation, residue mobility, and thermodynamic stability) indicates that this missense variant is not expected to disrupt ABCA3 protein function with a negative predictive value of 80%. In summary, the available evidence is currently insufficient to determine the role of this variant in disease. Therefore, it has been classified as a Variant of Uncertain Significance.

Blueprint Genetics
Classification: Uncertain significance. Last evaluated: 2024-09-12. Review status: criteria provided, single submitter. Criteria: ACMG Guidelines, 2015. Collection method: clinical testing. Allele origin: germline.